The following is an entry in ClinVar:

NM_001009944.3(PKD1):c.4215G>A (p.Trp1405Ter)

Gene: PKD1 (polycystin 1, transient receptor potential channel interacting; minus strand). Cytogenetic location: 16p13.3.
Variant type: single nucleotide variant.
Coding change: c.4215G>A on transcript NM_001009944.3 (MANE Select); coding-DNA position 4215, G replaced by A.
Protein change: p.Trp1405Ter; replaces tryptophan 1405 with a stop codon.
Molecular consequence: nonsense.
Genome position (GRCh38, 1-based): chr16:2,110,952, C>T on the plus strand (G>A on the coding strand, the complement: PKD1 is on the minus strand). VCF-style: chr16-2110952-C-T. GRCh37 (hg19) VCF-style: chr16-2160953-C-T.
Other names: c.4215G>A, p.Trp1405Ter (NM_000296.4); short protein forms W1405*.
Identifiers: ClinVar variation 4999844 (VCV004999844.1).
Genomic context (GRCh38, chr16:2,110,952, plus strand): 5'-ACGGGTGGGGGCGGCTTCCTCGGTGCCAAAGTCCCAGGTGTAGCGGTAGGGGAACGGGGG[C>T]CAGGCACATGCCACCAGCCAGGCCTCGTCCCCGAGCTGCACAAACTGCCTCTCTGGCTGC-3'

ClinVar aggregate classification (germline): Pathogenic (1 of 4 stars; one submission).

Conditions:
PKD1-related disorder. Also called: PKD1-related condition.

Submission:

PreventionGenetics, part of Exact Sciences
Classification: Pathogenic for PKD1-related condition. Last evaluated: 2024-12-18. Review status: criteria provided, single submitter. Criteria: ACMG Guidelines, 2015. Collection method: clinical testing. Allele origin: germline.
Comment: The PKD1 c.4215G>A variant is predicted to result in premature protein termination (p.Trp1405*). To our knowledge, this variant has not been reported in the literature or in a large population database (gnomAD), indicating this variant is rare. Nonsense variants in PKD1 are expected to be pathogenic. This variant is interpreted as pathogenic.